The following is an entry in ClinVar:

NM_001130987.2(DYSF):c.5533C>T (p.Arg1845Trp)

Gene: DYSF (dysferlin; plus strand). Cytogenetic location: 2p13.2.
Variant type: single nucleotide variant.
Coding change: c.5533C>T on transcript NM_001130987.2 (MANE Select); coding-DNA position 5533, C replaced by T.
Protein change: p.Arg1845Trp; replaces arginine 1845 with tryptophan.
Molecular consequence: missense variant.
Genome position (GRCh38, 1-based): chr2:71,668,829, C>T. VCF-style: chr2-71668829-C-T. GRCh37 (hg19) VCF-style: chr2-71895959-C-T.
Other names: c.5419C>T, p.Arg1807Trp (NM_001130455.2); c.5374C>T, p.Arg1792Trp (NM_001130976.2); c.5437C>T, p.Arg1813Trp (NM_001130977.2); c.5479C>T, p.Arg1827Trp (NM_001130978.2); c.5509C>T, p.Arg1837Trp (NM_001130979.2); c.5467C>T, p.Arg1823Trp (NM_001130980.2); c.5530C>T, p.Arg1844Trp (NM_001130981.2); c.5512C>T, p.Arg1838Trp (NM_001130982.2); and 5 more; short protein forms R1806W, R1845W, R1807W, R1793W, R1824W, R1827W, R1828W, R1792W.
Identifiers: ClinVar variation 501808 (VCV000501808.8), dbSNP rs369627849, ClinGen allele CA1707413.

ClinVar aggregate classification (germline): Uncertain significance. Review status: criteria provided, multiple submitters, no conflicts (2 of 4 stars). 5 submissions from 3 submitters: Uncertain significance (5). Last evaluated 2022-03-04.

Conditions:
Neuromuscular disease caused by qualitative or quantitative defects of dysferlin. Also called: Dysferlinopathy; Qualitative or quantitative defects of dysferlin. Identifiers: Orphanet 207073, MedGen C2931687, MONDO:0016145.
Autosomal recessive limb-girdle muscular dystrophy type 2B (LGMDR2). Also called: MUSCULAR DYSTROPHY, LIMB-GIRDLE, AUTOSOMAL RECESSIVE 2; MUSCULAR DYSTROPHY, LIMB-GIRDLE, TYPE 3; Limb-girdle muscular dystrophy, type 2B; Limb-Girdle Muscular Dystrophy Type 2B (LGMD2B). Identifiers: Orphanet 268, MedGen C1850889, MONDO:0009676, OMIM 253601.
Miyoshi muscular dystrophy 1 (MMD1). Identifiers: Orphanet 45448, MedGen C4551973, MONDO:0024545, OMIM 254130.
Distal myopathy with anterior tibial onset. Identifiers: Orphanet 178400, MedGen C1847532, MONDO:0011721, OMIM 606768.

Allele frequency attached by ClinVar (database versions not stated): TOPMed 0.00001; gnomAD 0.00003; gnomAD exomes 0.00003; ExAC 0.00005; ESP Exome Variant Server 0.00008.
gnomAD v4.1: 99 of 1,613,144 alleles (0.0061%); highest among the groups gnomAD compares: Non-Finnish European, 0.0072%; no homozygotes.

Submissions (5):

Labcorp Genetics (formerly Invitae), Labcorp
Classification: Uncertain significance for Neuromuscular disease caused by qualitative or quantitative defects of dysferlin. Last evaluated: 2022-03-04. Review status: criteria provided, single submitter. Criteria: Invitae Variant Classification Sherloc (09022015). Collection method: clinical testing. Allele origin: germline.
Comment: This sequence change replaces arginine, which is basic and polar, with tryptophan, which is neutral and slightly polar, at codon 1806 of the DYSF protein (p.Arg1806Trp). This variant is present in population databases (rs369627849, gnomAD 0.02%). This variant has not been reported in the literature in individuals affected with DYSF-related conditions. ClinVar contains an entry for this variant (Variation ID: 501808). Advanced modeling of protein sequence and biophysical properties (such as structural, functional, and spatial information, amino acid conservation, physicochemical variation, residue mobility, and thermodynamic stability) performed at Invitae indicates that this missense variant is expected to disrupt DYSF protein function. In summary, the available evidence is currently insufficient to determine the role of this variant in disease. Therefore, it has been classified as a Variant of Uncertain Significance.

Genome-Nilou Lab
Classification: Uncertain significance for Miyoshi muscular dystrophy 1. Last evaluated: 2021-07-14. Review status: criteria provided, single submitter. Criteria: ACMG Guidelines, 2015. Collection method: clinical testing. Allele origin: germline. Affected: no.

Genome-Nilou Lab
Classification: Uncertain significance for Autosomal recessive limb-girdle muscular dystrophy type 2B. Last evaluated: 2021-07-14. Review status: criteria provided, single submitter. Criteria: ACMG Guidelines, 2015. Collection method: clinical testing. Allele origin: germline. Affected: no.

Genome-Nilou Lab
Classification: Uncertain significance for Distal myopathy with anterior tibial onset. Last evaluated: 2021-07-14. Review status: criteria provided, single submitter. Criteria: ACMG Guidelines, 2015. Collection method: clinical testing. Allele origin: germline. Affected: no.

Eurofins Ntd Llc (ga)
Classification: Uncertain significance. Last evaluated: 2017-05-03. Review status: criteria provided, single submitter. Criteria: EGL Classification Definitions 2015. Collection method: clinical testing. Allele origin: germline. Observed: 1 variant allele, 1 heterozygote.